The following is an entry in ClinVar:

NM_001875.5(CPS1):c.407A>G (p.Tyr136Cys)

Gene: CPS1 (carbamoyl-phosphate synthase 1; plus strand). Cytogenetic location: 2q34.
Variant type: single nucleotide variant.
Coding change: c.407A>G on transcript NM_001875.5 (MANE Select); coding-DNA position 407, A replaced by G.
Protein change: p.Tyr136Cys; replaces tyrosine 136 with cysteine.
Molecular consequence: missense variant. On other transcripts: non-coding transcript variant (1).
Genome position (GRCh38, 1-based): chr2:210,577,446, A>G. VCF-style: chr2-210577446-A-G. GRCh37 (hg19) VCF-style: chr2-211442170-A-G.
Other names: c.407A>G, p.Tyr136Cys (NM_001122633.3, NM_001369257.1); c.440A>G, p.Tyr147Cys (NM_001369256.1); short protein forms Y136C, Y147C.
Identifiers: ClinVar variation 2413904 (VCV002413904.6), dbSNP rs2469087920, ClinGen allele CA350424780.

ClinVar aggregate classification (germline): Uncertain significance (1 of 4 stars; one submission).

Conditions:
Congenital hyperammonemia, type I. Also called: Carbamoyl phosphate synthetase I deficiency disease; CPS I DEFICIENCY; Carbamoyl phosphate synthetase 1 deficiency; Hyperammonemia due to carbamoyl phosphate synthetase 1 deficiency; CPS 1 deficiency; Carbamyl phosphate synthetase (CPS) deficiency. Identifiers: Orphanet 147, MedGen C4082171, MONDO:0009376, OMIM 237300.

Allele frequency attached by ClinVar (database versions not stated): gnomAD exomes below 0.00001.
gnomAD v4.1: 1 of 1,613,948 alleles (0.000062%); highest among the groups gnomAD compares: Non-Finnish European, 0.000085%; no homozygotes.

Submission:

Labcorp Genetics (formerly Invitae), Labcorp
Classification: Uncertain significance for Congenital hyperammonemia, type I. Last evaluated: 2022-03-24. Review status: criteria provided, single submitter. Criteria: Invitae Variant Classification Sherloc (09022015). Collection method: clinical testing. Allele origin: germline.
Comment: In summary, the available evidence is currently insufficient to determine the role of this variant in disease. Therefore, it has been classified as a Variant of Uncertain Significance. Algorithms developed to predict the effect of missense changes on protein structure and function (SIFT, PolyPhen-2, Align-GVGD) all suggest that this variant is likely to be disruptive. This variant has not been reported in the literature in individuals affected with CPS1-related conditions. This variant is not present in population databases (gnomAD no frequency). This sequence change replaces tyrosine, which is neutral and polar, with cysteine, which is neutral and slightly polar, at codon 136 of the CPS1 protein (p.Tyr136Cys).